The following is an entry in ClinVar:

NM_006231.4(POLE):c.3534C>A (p.Tyr1178Ter)

Gene: POLE (DNA polymerase epsilon, catalytic subunit; minus strand). Cytogenetic location: 12q24.33.
Variant type: single nucleotide variant.
Coding change: c.3534C>A on transcript NM_006231.4 (MANE Select); coding-DNA position 3534, C replaced by A.
Protein change: p.Tyr1178Ter; replaces tyrosine 1178 with a stop codon.
Molecular consequence: nonsense.
Genome position (GRCh38, 1-based): chr12:132,657,184, G>T on the plus strand (C>A on the coding strand, the complement: POLE is on the minus strand). VCF-style: chr12-132657184-G-T. GRCh37 (hg19) VCF-style: chr12-133233770-G-T.
Other names: short protein forms Y1178*.
Identifiers: ClinVar variation 540766 (VCV000540766.8), dbSNP rs370133842, ClinGen allele CA387388492.

ClinVar aggregate classification (germline): Pathogenic (1 of 4 stars; one submission).

Submission:

Labcorp Genetics (formerly Invitae), Labcorp
Classification: Pathogenic. Last evaluated: 2022-05-11. Review status: criteria provided, single submitter. Criteria: Invitae Variant Classification Sherloc (09022015). Collection method: clinical testing. Allele origin: germline.
Comment: For these reasons, this variant has been classified as Pathogenic. ClinVar contains an entry for this variant (Variation ID: 540766). This variant has not been reported in the literature in individuals affected with POLE-related conditions. This variant is not present in population databases (gnomAD no frequency). This sequence change creates a premature translational stop signal (p.Tyr1178*) in the POLE gene. It is expected to result in an absent or disrupted protein product. Loss-of-function variants in POLE are known to be pathogenic (PMID: 23230001, 25948378, 30503519).

Literature cited by the submitters: PubMed 23230001; PubMed 25948378; PubMed 30503519.